The following is an entry in ClinVar:

NM_001145026.2(PTPRQ):c.1550G>A (p.Arg517Lys)

Gene: PTPRQ (protein tyrosine phosphatase receptor type Q; plus strand). Cytogenetic location: 12q21.31.
Variant type: single nucleotide variant.
Coding change: c.1550G>A on transcript NM_001145026.2 (MANE Select); coding-DNA position 1550, G replaced by A.
Protein change: p.Arg517Lys; replaces arginine 517 with lysine.
Molecular consequence: missense variant.
Genome position (GRCh38, 1-based): chr12:80,494,942, G>A. VCF-style: chr12-80494942-G-A. GRCh37 (hg19) VCF-style: chr12-80888721-G-A.
Other names: short protein forms R517K.
Identifiers: ClinVar variation 3372576 (VCV003372576.2).

ClinVar aggregate classification (germline): Conflicting classifications of pathogenicity. Review status: criteria provided, conflicting classifications (1 of 4 stars). 2 submissions from 2 submitters: Uncertain significance (1); Likely benign (1). Last evaluated 2026-08-06.

Conditions:
PTPRQ-related disorder. Also called: PTPRQ-related condition.

gnomAD v4.1: 78 of 1,538,394 alleles (0.0051%); highest among the groups gnomAD compares: South Asian, 0.005%; no homozygotes.

Submissions (2):

PreventionGenetics, part of Exact Sciences
Classification: Likely benign for PTPRQ-related condition. Last evaluated: 2026-08-06. Review status: criteria provided, single submitter. Criteria: ACMG Guidelines, 2015. Collection method: clinical testing. Allele origin: germline.
Comment: This variant is classified as likely benign based on ACMG/AMP sequence variant interpretation guidelines (Richards et al. 2015 PMID: 25741868, with internal and published modifications).

GeneDx
Classification: Uncertain significance. Last evaluated: 2024-05-02. Review status: criteria provided, single submitter. Criteria: GeneDx Variant Classification Process June 2021. Collection method: clinical testing. Allele origin: germline. Affected: yes.
Comment: In silico analysis indicates that this missense variant does not alter protein structure/function; Has not been previously published as pathogenic or benign to our knowledge